The following is an entry in ClinVar:

ClinVar aggregate classification (germline): Uncertain significance. Review status: criteria provided, multiple submitters, no conflicts (2 of 4 stars). 2 submissions from 2 submitters: Uncertain significance (2). Last evaluated 2025-05-26.

Conditions:
RYR1-related disorder. Also called: RYR1-related condition; RYR1-related disorders. Identifiers: MedGen CN239331.
Malignant hyperthermia, susceptibility to, 1 (MHS1). Also called: RYR1-Related Malignant Hyperthermia Susceptibility; Malignant hyperthermia suceptibility 1; Anesthesia related hyperthermia; Malignant hyperpyrexia; Fulminating hyperpyrexia; Pharmacogenic myopathy. Identifiers: Orphanet 423, MedGen C2930980, MONDO:0007783, OMIM 145600.

Allele frequency attached by ClinVar (database versions not stated): gnomAD exomes below 0.00001; ExAC 0.00001; gnomAD 0.00001; TOPMed 0.00002.
gnomAD v4.1: 2 of 1,614,006 alleles (0.00012%); highest among the groups gnomAD compares: Middle Eastern, 0.016%; no homozygotes.

Submissions (2):

Labcorp Genetics (formerly Invitae), Labcorp
Classification: Uncertain significance for RYR1-related disorder. Last evaluated: 2025-05-26. Review status: criteria provided, single submitter. Criteria: Invitae Variant Classification Sherloc (09022015). Collection method: clinical testing. Allele origin: germline.
Comment: This sequence change affects codon 319 of the RYR1 mRNA. It is a 'silent' change, meaning that it does not change the encoded amino acid sequence of the RYR1 protein. This variant also falls at the last nucleotide of exon 10, which is part of the consensus splice site for this exon. This variant is present in population databases (rs756843512, gnomAD 0.003%). This variant has not been reported in the literature in individuals affected with RYR1-related conditions. ClinVar contains an entry for this variant (Variation ID: 2065952). Variants that disrupt the consensus splice site are a relatively common cause of aberrant splicing (PMID: 17576681, 9536098). Algorithms developed to predict the effect of sequence changes on RNA splicing suggest that this variant may disrupt the consensus splice site. In summary, the available evidence is currently insufficient to determine the role of this variant in disease. Therefore, it has been classified as a Variant of Uncertain Significance.

All of Us Research Program, National Institutes of Health
Classification: Uncertain significance for Malignant hyperthermia, susceptibility to, 1. Last evaluated: 2023-08-23. Review status: criteria provided, single submitter. Criteria: ACMG Guidelines, 2015. Collection method: clinical testing. Allele origin: germline. Inheritance: Autosomal dominant inheritance. Observed: 2 variant alleles, 2 heterozygotes.
Comment: This synonymous variant alters the conserved c.G at the last nucleotide of exon 10 of the RYR1 gene and is predicted to impact RNA splicing. To our knowledge, functional studies have not been reported for this variant. This variant has not been reported in individuals affected with RYR1-related disorders in the literature. This variant has been identified in 1/251198 chromosomes in the general population by the Genome Aggregation Database (gnomAD). The available evidence is insufficient to determine the role of this variant in disease conclusively. Therefore, this variant is classified as a Variant of Uncertain Significance.

This study involves interpretation of variants in research participants for the purpose of population health screening. Participant phenotype was not available at the time of variant classification. Additional details can be found in publication PMID: 35346344, PMCID: PMC8962531

Literature cited by the submitters: PubMed 17576681 (cited by Labcorp Genetics (formerly Invitae), Labcorp); PubMed 9536098 (cited by Labcorp Genetics (formerly Invitae), Labcorp).

NM_000540.3(RYR1):c.957G>A (p.Lys319=)

Gene: RYR1 (ryanodine receptor 1; plus strand). Cytogenetic location: 19q13.2.
Variant type: single nucleotide variant.
Coding change: c.957G>A on transcript NM_000540.3 (MANE Select); coding-DNA position 957, G replaced by A.
Protein change: p.Lys319=; no amino-acid change (lysine 319 retained).
Molecular consequence: synonymous variant.
Genome position (GRCh38, 1-based): chr19:38,448,511, G>A. VCF-style: chr19-38448511-G-A. GRCh37 (hg19) VCF-style: chr19-38939151-G-A.
Other names: c.957G>A, p.Lys319= (NM_001042723.2).
Identifiers: ClinVar variation 2065952 (VCV002065952.5), dbSNP rs756843512, ClinGen allele CA073843.